The following is an entry in ClinVar:

ClinVar aggregate classification (germline): Uncertain significance (1 of 4 stars; one submission).

Conditions:
DICER1-related tumor predisposition. Also called: DICER1-related pleuropulmonary blastoma cancer predisposition syndrome; DICER1 syndrome. Identifiers: Orphanet 284343, MedGen C3839822, MONDO:0100216.

Submission:

Labcorp Genetics (formerly Invitae), Labcorp
Classification: Uncertain significance for DICER1-related tumor predisposition. Last evaluated: 2025-08-30. Review status: criteria provided, single submitter. Criteria: Invitae Variant Classification Sherloc (09022015). Collection method: clinical testing. Allele origin: germline.
Comment: This sequence change replaces leucine, which is neutral and non-polar, with arginine, which is basic and polar, at codon 1172 of the DICER1 protein (p.Leu1172Arg). This variant is not present in population databases (gnomAD no frequency). This variant has not been reported in the literature in individuals affected with DICER1-related conditions. Invitae Evidence Modeling of protein sequence and biophysical properties (such as structural, functional, and spatial information, amino acid conservation, physicochemical variation, residue mobility, and thermodynamic stability) indicates that this missense variant is not expected to disrupt DICER1 protein function with a negative predictive value of 95%. In summary, the available evidence is currently insufficient to determine the role of this variant in disease. Therefore, it has been classified as a Variant of Uncertain Significance.

NM_177438.3(DICER1):c.3515T>G (p.Leu1172Arg)

Gene: DICER1 (dicer 1, ribonuclease III; minus strand). Cytogenetic location: 14q32.13.
Variant type: single nucleotide variant.
Coding change: c.3515T>G on transcript NM_177438.3 (MANE Select); coding-DNA position 3515, T replaced by G.
Protein change: p.Leu1172Arg; replaces leucine 1172 with arginine.
Molecular consequence: missense variant. On other transcripts: non-coding transcript variant (6).
Genome position (GRCh38, 1-based): chr14:95,103,881, A>C on the plus strand (T>G on the coding strand, the complement: DICER1 is on the minus strand). VCF-style: chr14-95103881-A-C. GRCh37 (hg19) VCF-style: chr14-95570218-A-C.
Other names: c.3515T>G, p.Leu1172Arg (NM_001291628.2, NM_001395677.1, NM_001395692.1 and 12 more transcripts); c.3110T>G, p.Leu1037Arg (NM_001395690.1, NM_001395696.1, NM_001395687.1 and 2 more transcripts); c.2948T>G, p.Leu983Arg (NM_001395691.1); c.1832T>G, p.Leu611Arg (NM_001395697.1); c.3233T>G, p.Leu1078Arg (NM_001395686.1); short protein forms L1172R, L983R, L611R, L1037R, L1078R.
Identifiers: ClinVar variation 4746791 (VCV004746791.1).
Genomic context (GRCh38, chr14:95,103,881, plus strand): 5'-GCTAAATCATAACTGCCATTGGCGAGATTTTGATTGTAAGAAAGACCATTAATTGCTGTA[A>C]GATCTGCTGAAACTTCAACGTGGAGCTTACCAGGGGACTCGCTGAGCAACGTTCTGCAGT-3'
Protein context (NP_803187.1, residues 1162-1182): GKLHVEVSAD[Leu1172Arg]TAINGLSYNQ